The following is an entry in ClinVar:

NM_001308210.2(TSHZ1):c.876C>G (p.Arg292=)

Gene: TSHZ1 (teashirt zinc finger homeobox 1; plus strand). Cytogenetic location: 18q22.3.
Variant type: single nucleotide variant.
Coding change: c.876C>G on transcript NM_001308210.2 (MANE Select); coding-DNA position 876, C replaced by G.
Protein change: p.Arg292=; no amino-acid change (arginine 292 retained).
Molecular consequence: synonymous variant.
Genome position (GRCh38, 1-based): chr18:75,286,283, C>G. VCF-style: chr18-75286283-C-G. GRCh37 (hg19) VCF-style: chr18-72998238-C-G.
Other names: c.741C>G, p.Arg247= (NM_005786.6).
Identifiers: ClinVar variation 4534855 (VCV004534855.6).

ClinVar aggregate classification (germline): Likely benign (1 of 4 stars; one submission).

gnomAD v4.1: 5 of 1,612,946 alleles (0.00031%); highest among the groups gnomAD compares: Non-Finnish European, 0.00042%; no homozygotes.

Submission:

CeGaT Center for Human Genetics Tuebingen
Classification: Likely benign. Last evaluated: 2025-10-01. Review status: criteria provided, single submitter. Criteria: CeGaT Center For Human Genetics Tuebingen Variant Classification Criteria Version 2. Collection method: clinical testing. Allele origin: germline. Affected: yes. Observed: 1 variant allele.
Comment: TSHZ1: BP4, BP7